The following is an entry in ClinVar:

ClinVar aggregate classification (germline): Uncertain significance (1 of 4 stars; one submission).

Allele frequency attached by ClinVar (database versions not stated): gnomAD exomes 0.00001; ExAC 0.00002; gnomAD 0.00002; TOPMed 0.00002.

Submission:

Labcorp Genetics (formerly Invitae), Labcorp
Classification: Uncertain significance. Last evaluated: 2021-11-15. Review status: criteria provided, single submitter. Criteria: Invitae Variant Classification Sherloc (09022015). Collection method: clinical testing. Allele origin: germline.
Comment: This variant has not been reported in the literature in individuals affected with C6-related conditions. This variant is present in population databases (rs746911042, gnomAD 0.002%). This sequence change replaces threonine, which is neutral and polar, with alanine, which is neutral and non-polar, at codon 877 of the C6 protein (p.Thr877Ala). Algorithms developed to predict the effect of missense changes on protein structure and function output the following: SIFT: "Tolerated"; PolyPhen-2: "Benign"; Align-GVGD: "Class C0". The alanine amino acid residue is found in multiple mammalian species, which suggests that this missense change does not adversely affect protein function. In summary, the available evidence is currently insufficient to determine the role of this variant in disease. Therefore, it has been classified as a Variant of Uncertain Significance.

NM_000065.5(C6):c.2629A>G (p.Thr877Ala)

Gene: C6 (complement C6; minus strand). Cytogenetic location: 5p13.1.
Variant type: single nucleotide variant.
Coding change: c.2629A>G on transcript NM_000065.5 (MANE Select); coding-DNA position 2629, A replaced by G.
Protein change: p.Thr877Ala; replaces threonine 877 with alanine.
Molecular consequence: missense variant.
Genome position (GRCh38, 1-based): chr5:41,143,001, T>C on the plus strand (A>G on the coding strand, the complement: C6 is on the minus strand). VCF-style: chr5-41143001-T-C. GRCh37 (hg19) VCF-style: chr5-41143103-T-C.
Other names: c.2629A>G, p.Thr877Ala (NM_001115131.4); short protein forms T877A.
Identifiers: ClinVar variation 1461600 (VCV001461600.4), dbSNP rs746911042, ClinGen allele CA3252049.